The following is an entry in ClinVar:

NM_000487.6(ARSA):c.924C>T (p.Tyr308=)

Gene: ARSA (arylsulfatase A; minus strand). Cytogenetic location: 22q13.33.
Variant type: single nucleotide variant.
Coding change: c.924C>T on transcript NM_000487.6 (MANE Select); coding-DNA position 924, C replaced by T.
Protein change: p.Tyr308=; no amino-acid change (tyrosine 308 retained).
Molecular consequence: synonymous variant.
Genome position (GRCh38, 1-based): chr22:50,626,209, G>A on the plus strand (C>T on the coding strand, the complement: ARSA is on the minus strand). VCF-style: chr22-50626209-G-A. GRCh37 (hg19) VCF-style: chr22-51064637-G-A.
Other names: p.Tyr308=; c.924C>T, p.Tyr308= (NM_001085425.3, NM_001085426.3, NM_001085427.3); c.666C>T, p.Tyr222= (NM_001085428.3, NM_001362782.2).
Identifiers: ClinVar variation 1087279 (VCV001087279.11), dbSNP rs753927253, ClinGen allele CA10324875.

ClinVar aggregate classification (germline): Likely benign. Review status: criteria provided, multiple submitters, no conflicts (2 of 4 stars). 2 submissions from 2 submitters: Likely benign (2). Last evaluated 2025-06-09.

Conditions:
Metachromatic leukodystrophy (MLD). Also called: ARSA DEFICIENCY; CEREBROSIDE SULFATASE DEFICIENCY; Cerebral sclerosis diffuse metachromatic form; Arylsulfatase A Deficiency; METACHROMATIC LEUKOENCEPHALOPATHY; SULFATIDE LIPIDOSIS. Identifiers: Orphanet 512, MedGen C0023522, MONDO:0018868, OMIM 250100.

Allele frequency attached by ClinVar (database versions not stated): ExAC 0.00001; gnomAD exomes 0.00001; TOPMed 0.00002; gnomAD 0.00003.

Submissions (2):

Mayo Clinic Laboratories, Mayo Clinic
Classification: Likely benign. Last evaluated: 2025-06-09. Review status: criteria provided, single submitter. Criteria: ACMG Guidelines, 2015. Collection method: clinical testing. Allele origin: germline. Observed: 1 variant allele.
Comment: BP4, BP7

Labcorp Genetics (formerly Invitae), Labcorp
Classification: Likely benign for Metachromatic leukodystrophy. Last evaluated: 2024-06-17. Review status: criteria provided, single submitter. Criteria: Invitae Variant Classification Sherloc (09022015). Collection method: clinical testing. Allele origin: germline.